The following is an entry in ClinVar:

ClinVar aggregate classification (germline): Conflicting classifications of pathogenicity. Review status: criteria provided, conflicting classifications (1 of 4 stars). 2 submissions from 2 submitters: Likely pathogenic (1); Uncertain significance (1). Last evaluated 2024-10-18.

Conditions:
Dilated cardiomyopathy 1G (CMD1G). Identifiers: Orphanet 154, MedGen C1858763, MONDO:0011400, OMIM 604145.
Autosomal recessive limb-girdle muscular dystrophy type 2J (LGMDR10). Also called: MUSCULAR DYSTROPHY, LIMB-GIRDLE, AUTOSOMAL RECESSIVE 10; Limb-girdle muscular dystrophy, type 2J. Identifiers: Orphanet 140922, MedGen C1837342, MONDO:0012127, OMIM 608807.

Submissions (2):

Labcorp Genetics (formerly Invitae), Labcorp
Classification: Likely pathogenic for Dilated cardiomyopathy 1G; Autosomal recessive limb-girdle muscular dystrophy type 2J. Last evaluated: 2024-10-18. Review status: criteria provided, single submitter. Criteria: Invitae Variant Classification Sherloc (09022015). Collection method: clinical testing. Allele origin: germline.
Comment: This sequence change creates a premature translational stop signal (p.Tyr15064*) in the TTN gene. While this is not anticipated to result in nonsense mediated decay, it is expected to create a truncated TTN protein. This variant is not present in population databases (gnomAD no frequency). This variant has not been reported in the literature in individuals affected with TTN-related conditions. ClinVar contains an entry for this variant (Variation ID: 440365). This variant is located in the I band of TTN (PMID: 25589632). Truncating variants in this region have been reported in individuals affected with autosomal recessive centronuclear myopathy (PMID: 23975875, internal data). Truncating variants in this region have also been identified in individuals affected with autosomal dominant dilated cardiomyopathy and/or cardio-related conditions (PMID: 27869827, 32964742, internal data). In summary, the currently available evidence indicates that the variant is pathogenic, but additional data are needed to prove that conclusively. Therefore, this variant has been classified as Likely Pathogenic.

ARUP Laboratories, Molecular Genetics and Genomics, ARUP Laboratories
Classification: Uncertain significance. Last evaluated: 2016-12-21. Review status: criteria provided, single submitter. Criteria: ARUP Molecular Germline Variant Investigation Process. Collection method: clinical testing. Allele origin: germline.

Literature cited by the submitters: PubMed 25589632 (cited by Labcorp Genetics (formerly Invitae), Labcorp); PubMed 23975875 (cited by Labcorp Genetics (formerly Invitae), Labcorp); PubMed 27869827 (cited by Labcorp Genetics (formerly Invitae), Labcorp); PubMed 32964742 (cited by Labcorp Genetics (formerly Invitae), Labcorp).

NM_001267550.2(TTN):c.45192del (p.Trp15063_Tyr15064insTer)

Genes: TTN (titin; minus strand), LOC126806427 (BRD4-independent group 4 enhancer GRCh37_chr2:179485777-179486976; plus strand). Cytogenetic location: 2q31.2.
Variant type: Deletion.
Coding change: c.45192del on transcript NM_001267550.2 (MANE Select); coding-DNA position 45192, one base deleted (T; older notation c.45192delT).
Protein change: p.Trp15063_Tyr15064insTer.
Molecular consequence: nonsense.
Genome position (GRCh38, 1-based): chr2:178,621,632, A deleted on the plus strand (T on the coding strand, the reverse complement: TTN is on the minus strand). VCF-style (leftmost placement, unchanged base first): chr2-178621631-TA-T. GRCh37 (hg19) VCF-style: chr2-179486358-TA-T.
Other names: c.40269del, p.Trp13422_Tyr13423insTer (NM_001256850.1); c.17997del, p.Trp5998_Tyr5999insTer (NM_003319.4); c.37488del, p.Trp12495_Tyr12496insTer (NM_133378.4); c.18372del, p.Trp6123_Tyr6124insTer (NM_133432.3); c.18573del, p.Trp6190_Tyr6191insTer (NM_133437.4).
Identifiers: ClinVar variation 440365 (VCV000440365.11), dbSNP rs1553718908, ClinGen allele CA645509111.